The following is an entry in ClinVar:

NM_000179.3(MSH6):c.727C>G (p.Arg243Gly)

Gene: MSH6 (mutS homolog 6; plus strand). Cytogenetic location: 2p16.3.
Variant type: single nucleotide variant.
Coding change: c.727C>G on transcript NM_000179.3 (MANE Select); coding-DNA position 727, C replaced by G.
Protein change: p.Arg243Gly; replaces arginine 243 with glycine.
Molecular consequence: missense variant. On other transcripts: 5 prime UTR variant (2).
Genome position (GRCh38, 1-based): chr2:47,798,710, C>G. VCF-style: chr2-47798710-C-G. GRCh37 (hg19) VCF-style: chr2-48025849-C-G.
Other names: c.337C>G, p.Arg113Gly (NM_001281492.2); c.-180C>G (NM_001281493.2, NM_001281494.2, NM_001406811.1 and 6 more transcripts); c.823C>G, p.Arg275Gly (NM_001406795.1, NM_001406802.1); c.727C>G, p.Arg243Gly (NM_001406796.1, NM_001406798.1, NM_001406800.1 and 4 more transcripts); c.430C>G, p.Arg144Gly (NM_001406797.1, NM_001406801.1, NM_001406805.1 and 10 more transcripts); c.202C>G, p.Arg68Gly (NM_001406799.1, NM_001406806.1, NM_001406807.1); c.649C>G, p.Arg217Gly (NM_001406804.1); c.733C>G, p.Arg245Gly (NM_001406813.1); and 1 more; short protein forms R113G, R217G, R245G, R275G, R144G, R187G, R243G, R68G.
Identifiers: ClinVar variation 1758054 (VCV001758054.2), dbSNP rs377216828, ClinGen allele CA346740024.
Genomic context (GRCh38, chr2:47,798,710, plus strand): 5'-AATGAAATTGAGAGTGAAGAGGAAGTACAGCCTAAGACACAAGGATCTAGGCGAAGTAGC[C>G]GCCAAATAAAAAAACGAAGGGTCATATCAGATTCTGAGAGTGACATTGGTGGCTCTGATG-3'
Protein context (NP_000170.1, residues 233-253): PKTQGSRRSS[Arg243Gly]QIKKRRVISD

ClinVar aggregate classification (germline): Uncertain significance (1 of 4 stars; one submission).

Conditions:
Hereditary cancer-predisposing syndrome. Also called: Neoplastic Syndromes, Hereditary; Tumor predisposition; Hereditary Cancer Syndrome; Hereditary neoplastic syndrome. Identifiers: Orphanet 140162, MedGen C0027672, MeSH D009386, MONDO:0015356.

Submission:

Ambry Genetics
Classification: Uncertain significance for Hereditary cancer-predisposing syndrome. Last evaluated: 2021-12-28. Review status: criteria provided, single submitter. Criteria: Ambry Variant Classification Scheme 2023. Collection method: clinical testing. Allele origin: germline.
Comment: The p.R243G variant (also known as c.727C>G), located in coding exon 4 of the MSH6 gene, results from a C to G substitution at nucleotide position 727. The arginine at codon 243 is replaced by glycine, an amino acid with dissimilar properties. This amino acid position is not well conserved in available vertebrate species. In addition, the in silico prediction for this alteration is inconclusive. Since supporting evidence is limited at this time, the clinical significance of this alteration remains unclear.